The following is an entry in ClinVar:

NM_015662.3(IFT172):c.3048G>C (p.Met1016Ile)

Gene: IFT172 (intraflagellar transport 172; minus strand). Cytogenetic location: 2p23.3.
Variant type: single nucleotide variant.
Coding change: c.3048G>C on transcript NM_015662.3 (MANE Select); coding-DNA position 3048, G replaced by C.
Protein change: p.Met1016Ile; replaces methionine 1016 with isoleucine.
Molecular consequence: missense variant.
Genome position (GRCh38, 1-based): chr2:27,457,904, C>G on the plus strand (G>C on the coding strand, the complement: IFT172 is on the minus strand). VCF-style: chr2-27457904-C-G. GRCh37 (hg19) VCF-style: chr2-27680771-C-G.
Other names: c.2982G>C, p.Met994Ile (NM_001410739.1); short protein forms M1016I, M994I.
Identifiers: ClinVar variation 4992771 (VCV004992771.1).

ClinVar aggregate classification (germline): Uncertain significance (1 of 4 stars; one submission).

Conditions:
IFT172-related disorder. Also called: IFT172-related condition; IFT172-related disorders.

Submission:

PreventionGenetics, part of Exact Sciences
Classification: Uncertain significance for IFT172-related condition. Last evaluated: 2026-03-24. Review status: criteria provided, single submitter. Criteria: ACMG Guidelines, 2015. Collection method: clinical testing. Allele origin: germline.
Comment: The IFT172 c.3048G>C variant is predicted to result in the amino acid substitution p.Met1016Ile. To our knowledge, this variant has not been reported in the literature or in a large population database (gnomAD), indicating this variant is rare. At this time, the clinical significance of this variant is uncertain due to the absence of conclusive functional and genetic evidence.